The following is an entry in ClinVar:

NM_001009944.3(PKD1):c.6422T>A (p.Val2141Asp)

Gene: PKD1 (polycystin 1, transient receptor potential channel interacting; minus strand). Cytogenetic location: 16p13.3.
Variant type: single nucleotide variant.
Coding change: c.6422T>A on transcript NM_001009944.3 (MANE Select); coding-DNA position 6422, T replaced by A.
Protein change: p.Val2141Asp; replaces valine 2141 with aspartic acid.
Molecular consequence: missense variant.
Genome position (GRCh38, 1-based): chr16:2,108,745, A>T on the plus strand (T>A on the coding strand, the complement: PKD1 is on the minus strand). VCF-style: chr16-2108745-A-T. GRCh37 (hg19) VCF-style: chr16-2158746-A-T.
Other names: p.Val2141Asp; c.6422T>A, p.Val2141Asp (NM_000296.4); short protein forms V2141D.
Identifiers: ClinVar variation 2683337 (VCV002683337.1), dbSNP rs2544803160, ClinGen allele CA394373589.
Genomic context (GRCh38, chr16:2,108,745, plus strand): 5'-ATCAGCACCTGCAGGGGCAGGACCACGTCCACCTCCGGCTCCCGGCAGGCCAGCACCTGG[A>T]CGGTCACCGTGGCCTGCGCCACGAAGAAGCTCACCAGGTTGGAGGCGTTCACCTGCACGC-3'
Protein context (NP_001009944.3, residues 2131-2151): SFFVAQATVT[Val2141Asp]QVLACREPEV

ClinVar aggregate classification (germline): Uncertain significance (1 of 4 stars; one submission).

Submission:

Mayo Clinic Laboratories, Mayo Clinic
Classification: Uncertain significance. Last evaluated: 2023-04-11. Review status: criteria provided, single submitter. Criteria: ACMG Guidelines, 2015. Collection method: clinical testing. Allele origin: germline. Observed: 1 variant allele.
Comment: PP3, PM2_supporting